The following is an entry in ClinVar:

NM_031229.4(RBCK1):c.907A>G (p.Thr303Ala)

Gene: RBCK1 (RANBP2-type and C3HC4-type zinc finger containing 1; plus strand). Cytogenetic location: 20p13.
Variant type: single nucleotide variant.
Coding change: c.907A>G on transcript NM_031229.4 (MANE Select); coding-DNA position 907, A replaced by G.
Protein change: p.Thr303Ala; replaces threonine 303 with alanine.
Molecular consequence: missense variant. On other transcripts: intron variant (2).
Genome position (GRCh38, 1-based): chr20:421,021, A>G. VCF-style: chr20-421021-A-G. GRCh37 (hg19) VCF-style: chr20-401665-A-G.
Other names: c.958A>G, p.Thr320Ala (NM_001410770.1); c.781A>G, p.Thr261Ala (NM_006462.6); c.408-1106A>G (NM_001323956.2, NM_001323958.2); c.907A>G (NM_031229.2); short protein forms T303A, T320A, T261A.
Identifiers: ClinVar variation 2892743 (VCV002892743.4), dbSNP rs2016398821, ClinGen allele CA407928800.

ClinVar aggregate classification (germline): Conflicting classifications of pathogenicity. Review status: criteria provided, conflicting classifications (1 of 4 stars). 2 submissions from 2 submitters: Uncertain significance (1); Likely benign (1). Last evaluated 2026-01-05.

Conditions:
Polyglucosan body myopathy type 1 (PGBM1). Also called: Polyglucosan body myopathy 1 with or without immunodeficiency; POLYGLUCOSAN BODY MYOPATHY WITHOUT IMMUNODEFICIENCY. Identifiers: Orphanet 329173, Orphanet 397937, MedGen C4014605, MONDO:0014389, OMIM 615895.
Inborn genetic diseases. Identifiers: MedGen C0950123, MeSH D030342.

Allele frequency attached by ClinVar (database versions not stated): TOPMed below 0.00001; gnomAD 0.00001; gnomAD exomes 0.00001.

Submissions (2):

Ambry Genetics
Classification: Likely benign for Inborn genetic diseases. Last evaluated: 2026-01-05. Review status: criteria provided, single submitter. Criteria: Ambry Variant Classification Scheme 2023. Collection method: clinical testing. Allele origin: germline.

Labcorp Genetics (formerly Invitae), Labcorp
Classification: Uncertain significance for Polyglucosan body myopathy type 1. Last evaluated: 2025-04-23. Review status: criteria provided, single submitter. Criteria: Invitae Variant Classification Sherloc (09022015). Collection method: clinical testing. Allele origin: germline.
Comment: This sequence change replaces threonine, which is neutral and polar, with alanine, which is neutral and non-polar, at codon 303 of the RBCK1 protein (p.Thr303Ala). This variant is not present in population databases (gnomAD no frequency). This variant has not been reported in the literature in individuals affected with RBCK1-related conditions. ClinVar contains an entry for this variant (Variation ID: 2892743). Invitae Evidence Modeling of protein sequence and biophysical properties (such as structural, functional, and spatial information, amino acid conservation, physicochemical variation, residue mobility, and thermodynamic stability) indicates that this missense variant is not expected to disrupt RBCK1 protein function with a negative predictive value of 80%. In summary, the available evidence is currently insufficient to determine the role of this variant in disease. Therefore, it has been classified as a Variant of Uncertain Significance.